The following is an entry in ClinVar:

ClinVar aggregate classification (germline): Likely pathogenic. Review status: reviewed by expert panel (3 of 4 stars). 15 submissions from 15 submitters: Likely pathogenic (1). 14 of the submissions do not count toward it. Last evaluated 2023-02-13.

Conditions:
ACADVL-related disorder. Also called: ACADVL-related condition.
Very long chain acyl-CoA dehydrogenase deficiency (ACADVLD). Also called: VLCAD Deficiency; Very Long-Chain Acyl-Coenzyme A Dehydrogenase Deficiency. Identifiers: Orphanet 26793, MedGen C3887523, MONDO:0008723, OMIM 201475.

Allele frequency attached by ClinVar (database versions not stated): gnomAD 0.00001; TOPMed 0.00002.
gnomAD v4.1: 15 of 1,613,928 alleles (0.00093%); highest among the groups gnomAD compares: South Asian, 0.0011%; no homozygotes.

Submissions 1 to 10 of 15:

ClinGen ACADVL Variant Curation Expert Panel, ClinGen
Classification: Likely pathogenic for Very long chain acyl-CoA dehydrogenase deficiency. Last evaluated: 2023-02-13. Review status: reviewed by expert panel. Criteria: clingen acadvl acmg specifications v1. Collection method: curation. Allele origin: germline. Inheritance: Autosomal recessive inheritance.
Comment: The c.664G>A (NM_000018.4) variant in ACADVL is a missense variant predicted to cause substitution of glycine by arginine at amino acid 222 (p.Gly222Arg). This variant has been detected in at least four individuals with very long chain acyl CoA dehydrogenase (VLCAD) deficiency. This variant has been detected in at least four individuals with very long chain acyl CoA dehydrogenase (VLCAD) deficiency. Of those individuals, two were compound heterozygous for the variant and a distinct variants not yet evaluated by the ACADVL VCEP, at least one individual was compound het for this variant and a variant determined by the ACADVL VCEP as likely pathogenic, and at least one individual was homozygous for the variant (PM3_Supporting, PMID: 24801231, 20060901, 16443431, 28771436, 31844625). At least one patient with this variant displayed increased C14:1 levels and another patient showed significantly reduced very long chain acyl-CoA dehydrogenase (VLCAD) enzyme levels, which is highly specific for VLCAD deficiency (PP4_moderate, PMID: 24801231, PMID: 20060901). The highest population minor allele frequency in gnomAD v2.1.1 is 0.00003 in the South Asian population, which is lower than the ClinGen ACADVL Variant Curation Expert Panel threshold (<0.001) for PM2_Supporting, meeting this criterion (PM2_Supporting). The computational predictor REVEL gives a score of 0.981, which is above the threshold of 0.75, evidence that correlates with impact to ACADVL function (PP3). This variant resides within a region, amino acids 214-223, of ACADVL that is defined as a critical functional domain by the ClinGen ACADVL Variant Curation Expert Panel (PMID: 9973285, 18227065, 20060901; PM1). In summary, this variant meets the criteria to be classified as likely pathogenic for autosomal recessive VLCAD deficiency based on the ACMG/AMP criteria applied, as specified by the ClinGen ACADVL Variant Curation Expert Panel: PM1, PM2_supporting, PM3_Supporting, PP3, PP4_moderate

Labcorp Genetics (formerly Invitae), Labcorp
Classification: Pathogenic for Very long chain acyl-CoA dehydrogenase deficiency. Last evaluated: 2026-02-01. Review status: criteria provided, single submitter. Criteria: Invitae Variant Classification Sherloc (09022015). Collection method: clinical testing. Allele origin: germline. Not counted in ClinVar's aggregate classification.
Comment: This sequence change replaces glycine, which is neutral and non-polar, with arginine, which is basic and polar, at codon 222 of the ACADVL protein (p.Gly222Arg). This variant is present in population databases (rs398123091, gnomAD 0.003%). This missense change has been observed in individual(s) with very long-chain acyl-CoA dehydrogenase deficiency (PMID: 20060901, 25652019, 26182500). This variant is also known as G245R. ClinVar contains an entry for this variant (Variation ID: 92289). Invitae Evidence Modeling of protein sequence and biophysical properties (such as structural, functional, and spatial information, amino acid conservation, physicochemical variation, residue mobility, and thermodynamic stability) indicates that this missense variant is expected to disrupt ACADVL protein function with a positive predictive value of 80%. Algorithms developed to predict the effect of sequence changes on RNA splicing suggest that this variant may create or strengthen a splice site. For these reasons, this variant has been classified as Pathogenic.

GeneDx
Classification: Pathogenic. Last evaluated: 2025-12-05. Review status: criteria provided, single submitter. Criteria: GeneDx Variant Classification Process June 2021. Collection method: clinical testing. Allele origin: germline. Affected: yes. Not counted in ClinVar's aggregate classification.
Comment: In silico analysis supports that this missense variant has a deleterious effect on protein structure/function; Not observed at significant frequency in large population cohorts (gnomAD); In silico analysis suggests this variant may impact gene splicing. In the absence of RNA/functional studies, the actual effect of this sequence change is unknown.; This variant is associated with the following publications: (PMID: 26182500, 24898617, 20060901, 21378393, 16443431, 17999356, 25652019, 28991257, 32368696, 32820518, 33150772, 38171561)

Revvity Omics, Revvity
Classification: Pathogenic for Very long chain acyl-CoA dehydrogenase deficiency. Last evaluated: 2025-03-27. Review status: criteria provided, single submitter. Criteria: ACMG Guidelines, 2015. Collection method: clinical testing. Allele origin: germline. Not counted in ClinVar's aggregate classification.

Natera, Inc.
Classification: Pathogenic for Very long chain acyl-CoA dehydrogenase deficiency. Last evaluated: 2024-12-12. Review status: criteria provided, single submitter. Criteria: Natera Variant Classification Schema (03/2026). Collection method: clinical testing. Allele origin: germline. Not counted in ClinVar's aggregate classification.
Comment: The c.664G>A variant in ACADVL is a missense variant predicted to cause substitution of glycine to arginine at amino acid 222. This variant is rare in the general population with a frequency below the threshold expected for the associated phenotype(s). This variant has been observed in one or more individuals affected with the associated recessive disease, as either homozygous or compound heterozygous with a second variant (PMID: 32820518, 17999356). This variant is located in a functionally critical region of the protein. Another variant at this same site results in an alteration predicted to cause a similar molecular effect has been observed in individual(s) with the associated phenotype. Computational prediction algorithms indicate this variant is likely to affect gene or protein function. Given the available evidence, this variant is classified as Pathogenic.

Fulgent Genetics
Classification: Likely pathogenic for Very long chain acyl-CoA dehydrogenase deficiency. Last evaluated: 2024-05-03. Review status: criteria provided, single submitter. Criteria: ACMG Guidelines, 2015. Collection method: clinical testing. Allele origin: germline. Not counted in ClinVar's aggregate classification.

Baylor Genetics
Classification: Pathogenic for Very long chain acyl-CoA dehydrogenase deficiency. Last evaluated: 2023-12-27. Review status: criteria provided, single submitter. Criteria: ACMG Guidelines, 2015. Collection method: clinical testing. Allele origin: unknown. Not counted in ClinVar's aggregate classification.

Women's Health and Genetics/Laboratory Corporation of America, LabCorp
Classification: Pathogenic for Very long chain acyl-CoA dehydrogenase deficiency. Last evaluated: 2023-07-25. Review status: criteria provided, single submitter. Criteria: LabCorp Variant Classification Summary - May 2015. Collection method: clinical testing. Allele origin: germline. Not counted in ClinVar's aggregate classification.
Comment: Variant summary: ACADVL c.664G>A (p.Gly222Arg) results in a non-conservative amino acid change located in the Acyl-CoA oxidase/dehydrogenase, middle domain (IPR006091) of the encoded protein sequence. Five of five in-silico tools predict a damaging effect of the variant on protein function. The variant allele was found at a frequency of 1.2e-05 in 251384 control chromosomes (gnomAD). c.664G>A has been reported in the literature in multiple individuals affected with Very Long Chain Acyl-CoA Dehydrogenase Deficiency (e.g. Voermans_2006, Gobin-Limballe_2010, Li_2015, Miller_2015, Chen_2020). These data indicate that the variant is likely to be associated with disease. At least one publication reports experimental evidence evaluating an impact on protein function and found the variant results in decreased protein expression and approximately 10% of normal activity (e.g. Gobin-Limballe_2010). Furthermore, another variant resulting in the same amino acid change (c.664G>C, p.G222R) has also been classified as pathogenic/likely pathogenic in ClinVar and is reported in association with affected individuals in the HGMD database. The following publications have been ascertained in the context of this evaluation (PMID: 33150772, 20060901, 25652019, 26385305, 16443431). Seven submitters, including the ClinGen ACADVL Variant Curation Expert Panel have cited clinical-significance assessments for this variant to ClinVar after 2014. All submitters classified the variant as pathogenic (n=4)/likely pathogenic (n=3). Based on the evidence outlined above, the variant was classified as pathogenic.

Blueprint Genetics
Classification: Pathogenic for ACADVL-related disorders. Last evaluated: 2022-09-20. Review status: criteria provided, single submitter. Criteria: ACMG Guidelines, 2015. Collection method: clinical testing. Allele origin: germline. Affected: yes. Observed: 2 variant alleles. Not counted in ClinVar's aggregate classification.

Wong Mito Lab, Molecular and Human Genetics, Baylor College of Medicine
Classification: Pathogenic for Very long chain acyl-CoA dehydrogenase deficiency. Last evaluated: 2019-11-01. Review status: criteria provided, single submitter. Criteria: ACMG Guidelines, 2015. Collection method: clinical testing. Allele origin: germline. Not counted in ClinVar's aggregate classification.
Comment: The NM_000018.3:c.664G>A (NP_000009.1:p.Gly222Arg) [GRCH38: NC_000017.11:g.7221993G>A] variant in ACADVL gene is interpretated to be Pathogenic based on ACMG guidelines (PMID: 25741868). This variant has been reported in PMID: 20060901. This variant meets the following evidence codes reported in the ACMG guidelines: PS1, PS3

NM_000018.4(ACADVL):c.664G>A (p.Gly222Arg)

Gene: ACADVL (acyl-CoA dehydrogenase very long chain; plus strand). Cytogenetic location: 17p13.1.
Variant type: single nucleotide variant.
Coding change: c.664G>A on transcript NM_000018.4 (MANE Select); coding-DNA position 664, G replaced by A.
Protein change: p.Gly222Arg; replaces glycine 222 with arginine.
Molecular consequence: missense variant.
Genome position (GRCh38, 1-based): chr17:7,221,993, G>A. VCF-style: chr17-7221993-G-A. GRCh37 (hg19) VCF-style: chr17-7125312-G-A.
Other names: NM_000018.4(ACADVL):c.664G>A; c.598G>A, p.Gly200Arg (NM_001033859.3); c.733G>A, p.Gly245Arg (NM_001270447.2); c.436G>A, p.Gly146Arg (NM_001270448.2); short protein forms G222R, G146R, G245R, G200R.
Identifiers: ClinVar variation 92289 (VCV000092289.36), dbSNP rs398123091, ClinGen allele CA220218.